The following is an entry in ClinVar:

ClinVar aggregate classification (germline): Pathogenic. Review status: criteria provided, multiple submitters, no conflicts (2 of 4 stars). 2 submissions from 2 submitters: Pathogenic (2). Last evaluated 2025-05-27.

Conditions:
Hereditary nonpolyposis colorectal neoplasms. Identifiers: MedGen C0009405, MeSH D003123.
Hereditary cancer-predisposing syndrome. Also called: Neoplastic Syndromes, Hereditary; Tumor predisposition; Hereditary Cancer Syndrome; Hereditary neoplastic syndrome. Identifiers: Orphanet 140162, MedGen C0027672, MeSH D009386, MONDO:0015356.

Submissions (2):

Ambry Genetics
Classification: Pathogenic for Hereditary cancer-predisposing syndrome. Last evaluated: 2025-05-27. Review status: criteria provided, single submitter. Criteria: Ambry Variant Classification Scheme 2023. Collection method: clinical testing. Allele origin: germline.
Comment: The c.1977dupT pathogenic mutation, located in coding exon 4 of the MSH6 gene, results from a duplication of T at nucleotide position 1977, causing a translational frameshift with a predicted alternate stop codon (p.K660*). This alteration is expected to result in loss of function by premature protein truncation or nonsense-mediated mRNA decay. As such, this alteration is interpreted as a disease-causing mutation.

Labcorp Genetics (formerly Invitae), Labcorp
Classification: Pathogenic for Hereditary nonpolyposis colorectal neoplasms. Last evaluated: 2023-01-03. Review status: criteria provided, single submitter. Criteria: Invitae Variant Classification Sherloc (09022015). Collection method: clinical testing. Allele origin: germline.
Comment: For these reasons, this variant has been classified as Pathogenic. ClinVar contains an entry for this variant (Variation ID: 1783732). This variant has not been reported in the literature in individuals affected with MSH6-related conditions. This variant is not present in population databases (gnomAD no frequency). This sequence change creates a premature translational stop signal (p.Lys660*) in the MSH6 gene. It is expected to result in an absent or disrupted protein product. Loss-of-function variants in MSH6 are known to be pathogenic (PMID: 18269114, 24362816).

Literature cited by the submitters: PubMed 18269114 (cited by Labcorp Genetics (formerly Invitae), Labcorp); PubMed 24362816 (cited by Labcorp Genetics (formerly Invitae), Labcorp).

NM_000179.3(MSH6):c.1977dup (p.Lys660Ter)

Gene: MSH6 (mutS homolog 6; plus strand). Cytogenetic location: 2p16.3.
Variant type: Duplication.
Coding change: c.1977dup on transcript NM_000179.3 (MANE Select); coding-DNA position 1977, one base duplicated (T; older notation c.1977dupT).
Protein change: p.Lys660Ter; replaces lysine 660 with a stop codon.
Molecular consequence: nonsense. On other transcripts: frameshift variant (35).
Genome position (GRCh38, 1-based): chr2:47,799,960, T duplicated; the last of 2 consecutive T bases (chr2:47,799,959-47,799,960); duplicating either gives the same sequence. VCF-style (leftmost placement, unchanged base first): chr2-47799958-C-CT. GRCh37 (hg19) VCF-style: chr2-48027097-C-CT.
Other names: c.1587dup, p.Lys530Ter (NM_001281492.2); c.1071dup, p.Lys358Ter (NM_001281493.2, NM_001281494.2); c.2073dup, p.Lys692Terfs (NM_001406795.1, NM_001406802.1); c.1977dup, p.Lys660Terfs (NM_001406796.1, NM_001406798.1, NM_001406800.1 and 3 more transcripts); c.1680dup, p.Lys561Terfs (NM_001406797.1, NM_001406801.1, NM_001406805.1 and 10 more transcripts); c.1452dup, p.Lys485Terfs (NM_001406799.1, NM_001406806.1, NM_001406807.1); c.1899dup, p.Lys634Terfs (NM_001406804.1); c.1071dup, p.Lys358Terfs (NM_001406811.1, NM_001406812.1, NM_001406814.1 and 4 more transcripts); and 3 more; short protein forms K530*, K660*, K358*.
Identifiers: ClinVar variation 1783732 (VCV001783732.6), dbSNP rs2530642502, ClinGen allele CA2580067740.
Genomic context (GRCh38, chr2:47,799,958, plus strand): 5'-GAGGAAGAATATTTTAGGGAAAAGCTAAGTGATGGCATTGGGGTGATGTTACCCCAGGTG[C>CT]TTAAAGGTATGACTTCAGAGTCTGATTCCATTGGGTTGACACCAGGAGAGAAAAGTGAAT-3'